The following is an entry in ClinVar:

NM_001164508.2(NEB):c.24781A>G (p.Ser8261Gly)

Genes: NEB (nebulin; minus strand), RIF1 (replication timing regulatory factor 1; plus strand). Cytogenetic location: 2q23.3.
Variant type: single nucleotide variant.
Coding change: c.24781A>G on transcript NM_001164508.2 (MANE Select); coding-DNA position 24781, A replaced by G.
Protein change: p.Ser8261Gly; replaces serine 8261 with glycine.
Molecular consequence: missense variant.
Genome position (GRCh38, 1-based): chr2:151,492,479, T>C on the plus strand (A>G on the coding strand, the complement: NEB is on the minus strand). VCF-style: chr2-151492479-T-C. GRCh37 (hg19) VCF-style: chr2-152348993-T-C.
Other names: c.24781A>G, p.Ser8261Gly (NM_001164507.2); c.24886A>G, p.Ser8296Gly (NM_001271208.2); c.19213A>G, p.Ser6405Gly (NM_004543.5); short protein forms S6405G, S8261G, S8296G.
Identifiers: ClinVar variation 1913205 (VCV001913205.2), dbSNP rs2551710634, ClinGen allele CA348774417.

ClinVar aggregate classification (germline): Uncertain significance (1 of 4 stars; one submission).

Conditions:
Nemaline myopathy 2 (NEM2). Also called: Nemaline myopathy 2, autosomal recessive. Identifiers: MedGen C1850569, MONDO:0009725, OMIM 256030.

Submission:

Labcorp Genetics (formerly Invitae), Labcorp
Classification: Uncertain significance for Nemaline myopathy 2. Last evaluated: 2021-08-27. Review status: criteria provided, single submitter. Criteria: Invitae Variant Classification Sherloc (09022015). Collection method: clinical testing. Allele origin: germline.
Comment: This sequence change replaces serine with glycine at codon 8296 of the NEB protein (p.Ser8296Gly). The serine residue is moderately conserved and there is a small physicochemical difference between serine and glycine. This variant is not present in population databases (ExAC no frequency). This variant has not been reported in the literature in individuals affected with NEB-related conditions. Algorithms developed to predict the effect of missense changes on protein structure and function are either unavailable or do not agree on the potential impact of this missense change (SIFT: "Deleterious"; PolyPhen-2: "Not Available"; Align-GVGD: "Class C0"). In summary, the available evidence is currently insufficient to determine the role of this variant in disease. Therefore, it has been classified as a Variant of Uncertain Significance.